The following is an entry in ClinVar:

NM_199242.3(UNC13D):c.810C>A (p.Tyr270Ter)

Gene: UNC13D (unc-13 homolog D; minus strand). Cytogenetic location: 17q25.1.
Variant type: single nucleotide variant.
Coding change: c.810C>A on transcript NM_199242.3 (MANE Select); coding-DNA position 810, C replaced by A.
Protein change: p.Tyr270Ter; replaces tyrosine 270 with a stop codon.
Molecular consequence: nonsense.
Genome position (GRCh38, 1-based): chr17:75,840,273, G>T on the plus strand (C>A on the coding strand, the complement: UNC13D is on the minus strand). VCF-style: chr17-75840273-G-T. GRCh37 (hg19) VCF-style: chr17-73836354-G-T.
Other names: short protein forms Y270*.
Identifiers: ClinVar variation 3583053 (VCV003583053.3).

ClinVar aggregate classification (germline): Pathogenic/Likely pathogenic. Review status: criteria provided, multiple submitters, no conflicts (2 of 4 stars). 2 submissions from 2 submitters: Pathogenic (1); Likely pathogenic (1). Last evaluated 2025-02-21.

Conditions:
Familial hemophagocytic lymphohistiocytosis 3 (FHL3). Also called: UNC13D-Related Familial Hemophagocytic Lymphohistiocytosis (UNC13D-fHLH). Identifiers: Orphanet 540, MedGen C1837174, MONDO:0012146, OMIM 608898.

Submissions (2):

Victorian Clinical Genetics Services, Murdoch Childrens Research Institute
Classification: Pathogenic for Familial hemophagocytic lymphohistiocytosis 3. Last evaluated: 2025-02-21. Review status: criteria provided, single submitter. Criteria: ACMG Guidelines, 2015. Collection method: clinical testing. Allele origin: germline.
Comment: This variant is classified as Pathogenic. Evidence in support of pathogenic classification: Variant is predicted to cause nonsense-mediated decay (NMD) and loss of protein (premature termination codon is located at least 54 nucleotides upstream of the final exon-exon junction); Variant is present in gnomAD <0.01 for a recessive condition (v2: 1 heterozygote(s), 0 homozygote(s)) ; This variant has limited previous evidence of pathogenicity in unrelated individual(s). This variant has been classified as likely pathogenic (ClinVar) and reported in a compound heterozygous individual with primary hemophagocytic lymphohistiocytosis (pHLH) (PMID: 37851074); Other NMD-predicted variants comparable to the one identified in this case have very strong previous evidence for pathogenicity (DECIPHER). Additional information: This variant is heterozygous; This gene is associated with autosomal recessive disease; No published segregation evidence has been identified for this variant; No published functional evidence has been identified for this variant; Loss of function is a known mechanism of disease in this gene and is associated with familial hemophagocytic lymphohistiocytosis, 3 (MIM#608898).

Fulgent Genetics
Classification: Likely pathogenic for Familial hemophagocytic lymphohistiocytosis 3. Last evaluated: 2024-03-30. Review status: criteria provided, single submitter. Criteria: ACMG Guidelines, 2015. Collection method: clinical testing. Allele origin: germline.

Literature cited by the submitters: PubMed 37851074 (cited by Victorian Clinical Genetics Services, Murdoch Childrens Research Institute).